The following is an entry in ClinVar:

NM_014516.4(CNOT3):c.1735C>T (p.Pro579Ser)

Gene: CNOT3 (CCR4-NOT transcription complex subunit 3; plus strand). Cytogenetic location: 19q13.42.
Variant type: single nucleotide variant.
Coding change: c.1735C>T on transcript NM_014516.4 (MANE Select); coding-DNA position 1735, C replaced by T.
Protein change: p.Pro579Ser; replaces proline 579 with serine.
Molecular consequence: missense variant.
Genome position (GRCh38, 1-based): chr19:54,152,457, C>T. VCF-style: chr19-54152457-C-T. GRCh37 (hg19) VCF-style: chr19-54656194-C-T.
Other names: short protein forms P579S.
Identifiers: ClinVar variation 3368121 (VCV003368121.1).

ClinVar aggregate classification (germline): Uncertain significance (1 of 4 stars; one submission).

gnomAD v4.1: 1 of 1,614,204 alleles (0.000062%); highest among the groups gnomAD compares: African/African-American, 0.0013%; no homozygotes.

Submission:

GeneDx
Classification: Uncertain significance. Last evaluated: 2024-02-15. Review status: criteria provided, single submitter. Criteria: GeneDx Variant Classification Process June 2021. Collection method: clinical testing. Allele origin: germline. Affected: yes.
Comment: Not observed at significant frequency in large population cohorts (gnomAD); In silico analysis supports that this missense variant does not alter protein structure/function; Has not been previously published as pathogenic or benign to our knowledge